The following is an entry in ClinVar:

ClinVar aggregate classification (germline): Uncertain significance (1 of 4 stars; one submission).

Conditions:
Cystic fibrosis (CF). Also called: MUCOVISCIDOSIS. Identifiers: Orphanet 586, MedGen C0010674, MONDO:0009061, OMIM 219700. Disease mechanism: loss of function.

Submission:

Ambry Genetics
Classification: Uncertain significance for Cystic fibrosis. Last evaluated: 2026-03-30. Review status: criteria provided, single submitter. Criteria: Ambry Variant Classification Scheme 2023. Collection method: clinical testing. Allele origin: germline.
Comment: The p.I1383T variant (also known as c.4148T>C), located in coding exon 26 of the CFTR gene, results from a T to C substitution at nucleotide position 4148. The isoleucine at codon 1383 is replaced by threonine, an amino acid with similar properties. This amino acid position is conserved. In addition, the in silico prediction for this alteration is inconclusive. Based on the available evidence, the clinical significance of this variant remains unclear.

NM_000492.4(CFTR):c.4148T>C (p.Ile1383Thr)

Gene: CFTR (CF transmembrane conductance regulator; plus strand). Cytogenetic location: 7q31.2.
Variant type: single nucleotide variant.
Coding change: c.4148T>C on transcript NM_000492.4 (MANE Select); coding-DNA position 4148, T replaced by C.
Protein change: p.Ile1383Thr; replaces isoleucine 1383 with threonine.
Molecular consequence: missense variant.
Genome position (GRCh38, 1-based): chr7:117,665,470, T>C. VCF-style: chr7-117665470-T-C. GRCh37 (hg19) VCF-style: chr7-117305524-T-C.
Other names: short protein forms I1383T.
Identifiers: ClinVar variation 4868828 (VCV004868828.1).